The following is an entry in ClinVar:

NM_006846.4(SPINK5):c.2868-169A>G

Gene: SPINK5 (serine peptidase inhibitor Kazal type 5; plus strand). Cytogenetic location: 5q32.
Variant type: single nucleotide variant.
Coding change: c.2868-169A>G on transcript NM_006846.4 (MANE Select); 169 bases into the intron before coding-DNA position 2868, A replaced by G.
Molecular consequence: intron variant.
Genome position (GRCh38, 1-based): chr5:148,126,814, A>G. VCF-style: chr5-148126814-A-G. GRCh37 (hg19) VCF-style: chr5-147506377-A-G.
Other names: c.2958-169A>G (NM_001127698.2).
Identifiers: ClinVar variation 677142 (VCV000677142.1), dbSNP rs11168029, ClinGen allele CA11947095.
Genomic context (GRCh38, chr5:148,126,814, plus strand): 5'-GCTAATTTTTGTATTTTTAGTAGAGATGGAGTTTCACCATGTTGGCCAGGCTGGTCTCCA[A>G]CTCCTGACCTCAGGTGATTCGCCAGCCTGGGCCTTCCAAAATGCTGGGGTTACAGGCGTG-3'

ClinVar aggregate classification (germline): Benign (1 of 4 stars; one submission).

Allele frequency attached by ClinVar (database versions not stated): 1000 Genomes Project 0.50978; 1000 Genomes Project 30x 0.51015; TOPMed 0.55834; gnomAD 0.56205 and 0.56316.
gnomAD v4.1: 85,311 of 151,740 alleles (56%); highest among the groups gnomAD compares: Admixed American, 65%; 24,677 homozygotes.

Submission:

GeneDx
Classification: Benign. Last evaluated: 2018-06-14. Review status: criteria provided, single submitter. Criteria: GeneDx Variant Classification (06012015). Collection method: clinical testing. Allele origin: germline. Affected: yes.
Comment: This variant is considered likely benign or benign based on one or more of the following criteria: it is a conservative change, it occurs at a poorly conserved position in the protein, it is predicted to be benign by multiple in silico algorithms, and/or has population frequency not consistent with disease.